The following is an entry in ClinVar:

ClinVar aggregate classification (germline): Uncertain significance (1 of 4 stars; one submission).

Conditions:
Neurodevelopmental disorder with or without anomalies of the brain, eye, or heart (NEDBEH). Identifiers: Orphanet 494344, MedGen C5567477, MONDO:0014857, OMIM 616975.

Allele frequency attached by ClinVar (database versions not stated): gnomAD exomes 0.00001.
gnomAD v4.1: 13 of 1,599,284 alleles (0.00081%); highest among the groups gnomAD compares: South Asian, 0.0011%; no homozygotes.

Submission:

Centre for Mendelian Genomics, University Medical Centre Ljubljana
Classification: Uncertain significance for Neurodevelopmental disorder with or without anomalies of the brain, eye, or heart. Last evaluated: 2020-01-30. Review status: criteria provided, single submitter. Criteria: ACMG Guidelines, 2015. Collection method: clinical testing. Allele origin: unknown. Affected: yes.
Comment: This variant was classified as: Uncertain significance. The available evidence on this variant's pathogenicity is insufficient or conflicting. The following ACMG criteria were applied in classifying this variant: PM2,PP3.

NM_001042681.2(RERE):c.3587G>A (p.Arg1196Gln)

Gene: RERE (arginine-glutamic acid dipeptide repeats; minus strand). Cytogenetic location: 1p36.23.
Variant type: single nucleotide variant.
Coding change: c.3587G>A on transcript NM_001042681.2 (MANE Select); coding-DNA position 3587, G replaced by A.
Protein change: p.Arg1196Gln; replaces arginine 1196 with glutamine.
Molecular consequence: missense variant.
Genome position (GRCh38, 1-based): chr1:8,359,795, C>T on the plus strand (G>A on the coding strand, the complement: RERE is on the minus strand). VCF-style: chr1-8359795-C-T. GRCh37 (hg19) VCF-style: chr1-8419855-C-T.
Other names: c.1925G>A, p.Arg642Gln (NM_001042682.2); c.3587G>A, p.Arg1196Gln (NM_012102.4); short protein forms R642Q, R1196Q.
Identifiers: ClinVar variation 931352 (VCV000931352.3), dbSNP rs1408948503, ClinGen allele CA338170261.